The following is an entry in ClinVar:

NM_000059.4(BRCA2):c.41T>A (p.Ile14Asn)

Gene: BRCA2 (BRCA2 DNA repair associated; plus strand). Cytogenetic location: 13q13.1.
Variant type: single nucleotide variant.
Coding change: c.41T>A on transcript NM_000059.4 (MANE Select); coding-DNA position 41, T replaced by A.
Protein change: p.Ile14Asn; replaces isoleucine 14 with asparagine.
Molecular consequence: missense variant.
Genome position (GRCh38, 1-based): chr13:32,316,501, T>A. VCF-style: chr13-32316501-T-A. GRCh37 (hg19) VCF-style: chr13-32890638-T-A.
Other names: short protein forms I14N.
Identifiers: ClinVar variation 929077 (VCV000929077.9), dbSNP rs1241704385, ClinGen allele CA387753028.

ClinVar aggregate classification (germline): Uncertain significance. Review status: criteria provided, multiple submitters, no conflicts (2 of 4 stars). 6 submissions from 6 submitters: Uncertain significance (6). Last evaluated 2023-11-09.

Conditions:
Hereditary cancer-predisposing syndrome. Also called: Neoplastic Syndromes, Hereditary; Hereditary neoplastic syndrome; Tumor predisposition; Hereditary Cancer Syndrome. Identifiers: Orphanet 140162, MedGen C0027672, MeSH D009386, MONDO:0015356.
Familial prostate cancer. Also called: Hereditary Prostate Cancer. Identifiers: MedGen C2931456, MONDO:0700275, OMIM 176807.
Hereditary breast ovarian cancer syndrome. Also called: Hereditary breast and ovarian cancer syndrome; Hereditary breast and ovarian cancer syndrome (HBOC); Hereditary breast and/or ovarian cancer syndrome; Hereditary breast and ovarian cancer; BRCA1- and BRCA2-Associated Hereditary Breast and Ovarian Cancer; Breast and ovarian cancer. Identifiers: Orphanet 145, MedGen C0677776, MeSH D061325, MONDO:0003582. Disease mechanism: loss of function.
Familial cancer of breast. Also called: BREAST CANCER, FAMILIAL; Hereditary breast cancer; hereditary breast carcinoma. Identifiers: Orphanet 227535, MedGen C0346153, MONDO:0016419, OMIM 114480. Disease mechanism: loss of function.

Allele frequency attached by ClinVar (database versions not stated): gnomAD exomes below 0.00001.
gnomAD v4.1: 1 of 1,614,092 alleles (0.000062%); highest among the groups gnomAD compares: Non-Finnish European, 0.000085%; no homozygotes.

Submissions (6):

Baylor Genetics
Classification: Uncertain significance for Familial cancer of breast. Last evaluated: 2023-11-09. Review status: criteria provided, single submitter. Criteria: ACMG Guidelines, 2015. Collection method: clinical testing. Allele origin: unknown.

Labcorp Genetics (formerly Invitae), Labcorp
Classification: Uncertain significance for Hereditary breast ovarian cancer syndrome. Last evaluated: 2023-10-16. Review status: criteria provided, single submitter. Criteria: Invitae Variant Classification Sherloc (09022015). Collection method: clinical testing. Allele origin: germline.
Comment: This sequence change replaces isoleucine, which is neutral and non-polar, with asparagine, which is neutral and polar, at codon 14 of the BRCA2 protein (p.Ile14Asn). This variant is present in population databases (no rsID available, gnomAD 0.0009%). This variant has not been reported in the literature in individuals affected with BRCA2-related conditions. ClinVar contains an entry for this variant (Variation ID: 929077). Advanced modeling of protein sequence and biophysical properties (such as structural, functional, and spatial information, amino acid conservation, physicochemical variation, residue mobility, and thermodynamic stability) performed at Invitae indicates that this missense variant is not expected to disrupt BRCA2 protein function. In summary, the available evidence is currently insufficient to determine the role of this variant in disease. Therefore, it has been classified as a Variant of Uncertain Significance.

Ambry Genetics
Classification: Uncertain significance for Hereditary cancer-predisposing syndrome. Last evaluated: 2023-09-20. Review status: criteria provided, single submitter. Criteria: Ambry Variant Classification Scheme 2023. Collection method: clinical testing. Allele origin: germline.
Comment: The p.I14N variant (also known as c.41T>A), located in coding exon 1 of the BRCA2 gene, results from a T to A substitution at nucleotide position 41. The isoleucine at codon 14 is replaced by asparagine, an amino acid with dissimilar properties. This amino acid position is highly conserved in available vertebrate species. In addition, this alteration is predicted to be tolerated by in silico analysis. Since supporting evidence is limited at this time, the clinical significance of this alteration remains unclear.

Department of Pathology and Laboratory Medicine, Sinai Health System
Classification: Uncertain significance for Familial prostate cancer. Last evaluated: 2022-10-28. Review status: criteria provided, single submitter. Criteria: ACMG Guidelines, 2015. Collection method: clinical testing. Allele origin: germline. Affected: yes.

GeneDx
Classification: Uncertain significance. Last evaluated: 2022-08-11. Review status: criteria provided, single submitter. Criteria: GeneDx Variant Classification Process June 2021. Collection method: clinical testing. Allele origin: germline. Affected: yes.
Comment: Not observed at significant frequency in large population cohorts (gnomAD); In silico analysis supports that this missense variant does not alter protein structure/function; Has not been previously published as pathogenic or benign to our knowledge; Also known as 269T>A

Women's Health and Genetics/Laboratory Corporation of America, LabCorp
Classification: Uncertain significance. Last evaluated: 2019-05-14. Review status: criteria provided, single submitter. Criteria: LabCorp Variant Classification Summary - May 2015. Collection method: clinical testing. Allele origin: germline.
Comment: Variant summary: BRCA2 c.41T>A (p.Ile14Asn) results in a non-conservative amino acid change in the encoded protein sequence. Three of five in-silico tools predict a damaging effect of the variant on protein function. The variant allele was found at a frequency of 4e-06 in 251368 control chromosomes (gnomAD). The available data on variant occurrences in the general population are insufficient to allow any conclusion about variant significance. To our knowledge, no occurrence of c.41T>A in individuals affected with Hereditary Breast and Ovarian Cancer and no experimental evidence demonstrating its impact on protein function have been reported. No clinical diagnostic laboratories have submitted clinical-significance assessments for this variant to ClinVar after 2014. Based on the evidence outlined above, the variant was classified as uncertain significance.